The following is an entry in ClinVar:

NM_000038.6(APC):c.1276G>A (p.Ala426Thr)

Gene: APC (APC regulator of Wnt signaling pathway; plus strand). Cytogenetic location: 5q22.2.
Variant type: single nucleotide variant.
Coding change: c.1276G>A on transcript NM_000038.6 (MANE Select); coding-DNA position 1276, G replaced by A.
Protein change: p.Ala426Thr; replaces alanine 426 with threonine.
Molecular consequence: missense variant.
Genome position (GRCh38, 1-based): chr5:112,819,308, G>A. VCF-style: chr5-112819308-G-A. GRCh37 (hg19) VCF-style: chr5-112155005-G-A.
Other names: c.1276G>A, p.Ala426Thr (NM_001127510.3, NM_001354895.2, NM_001354896.2); c.1222G>A, p.Ala408Thr (NM_001127511.3); c.1306G>A, p.Ala436Thr (NM_001354897.2); c.1201G>A, p.Ala401Thr (NM_001354898.2); c.1192G>A, p.Ala398Thr (NM_001354899.2); c.1099G>A, p.Ala367Thr (NM_001354900.2, NM_001354901.2); c.1003G>A, p.Ala335Thr (NM_001354902.2); c.973G>A, p.Ala325Thr (NM_001354903.2); and 3 more; short protein forms A266T, A367T, A398T, A408T, A426T, A401T, A436T, A143T.
Identifiers: ClinVar variation 818773 (VCV000818773.11), dbSNP rs200598389, ClinGen allele CA16024100.

ClinVar aggregate classification (germline): Uncertain significance. Review status: criteria provided, multiple submitters, no conflicts (2 of 4 stars). 3 submissions from 3 submitters: Uncertain significance (3). Last evaluated 2026-01-05.

Conditions:
Hereditary cancer-predisposing syndrome. Also called: Tumor predisposition; Hereditary neoplastic syndrome; Neoplastic Syndromes, Hereditary; Hereditary Cancer Syndrome. Identifiers: Orphanet 140162, MedGen C0027672, MeSH D009386, MONDO:0015356.
Familial adenomatous polyposis 1 (FAP1). Also called: FAMILIAL ADENOMATOUS POLYPOSIS 1, ATTENUATED; POLYPOSIS, ADENOMATOUS INTESTINAL. Identifiers: MedGen C2713442, MONDO:0021056, OMIM 175100. Disease mechanism: loss of function.

Submissions (3):

Labcorp Genetics (formerly Invitae), Labcorp
Classification: Uncertain significance for Familial adenomatous polyposis 1. Last evaluated: 2026-01-05. Review status: criteria provided, single submitter. Criteria: Invitae Variant Classification Sherloc (09022015). Collection method: clinical testing. Allele origin: germline.
Comment: This sequence change replaces alanine, which is neutral and non-polar, with threonine, which is neutral and polar, at codon 426 of the APC protein (p.Ala426Thr). This variant is not present in population databases (gnomAD no frequency). This variant has not been reported in the literature in individuals affected with APC-related conditions. ClinVar contains an entry for this variant (Variation ID: 818773). Invitae Evidence Modeling of protein sequence and biophysical properties (such as structural, functional, and spatial information, amino acid conservation, physicochemical variation, residue mobility, and thermodynamic stability) indicates that this missense variant is not expected to disrupt APC protein function with a negative predictive value of 95%. In summary, the available evidence is currently insufficient to determine the role of this variant in disease. Therefore, it has been classified as a Variant of Uncertain Significance.

Color Diagnostics, LLC DBA Color Health
Classification: Uncertain significance for Hereditary cancer-predisposing syndrome. Last evaluated: 2025-07-29. Review status: criteria provided, single submitter. Criteria: ACMG Guidelines, 2015. Collection method: clinical testing. Allele origin: germline.
Comment: This missense variant replaces alanine with threonine at codon 426 of the APC protein. Computational prediction suggests that this variant may not impact protein structure and function. To our knowledge, functional studies have not been reported for this variant. This variant has not been reported in individuals affected with APC-related disorders in the literature. This variant has not been identified in the general population by the Genome Aggregation Database (gnomAD). The available evidence is insufficient to determine the role of this variant in disease conclusively. Therefore, this variant is classified as a Variant of Uncertain Significance.

Ambry Genetics
Classification: Uncertain significance for Hereditary cancer-predisposing syndrome. Last evaluated: 2024-07-08. Review status: criteria provided, single submitter. Criteria: Ambry Variant Classification Scheme 2023. Collection method: clinical testing. Allele origin: germline.
Comment: The p.A426T variant (also known as c.1276G>A), located in coding exon 9 of the APC gene, results from a G to A substitution at nucleotide position 1276. The alanine at codon 426 is replaced by threonine, an amino acid with similar properties. Missense alterations in APC are not a common cause of disease (Spier I et al. Genet Med. 2024 Feb;26(2):100992). This amino acid position is well conserved in available vertebrate species. In addition, in silico predictors for this gene do not accurately predict pathogenicity. Based on the available evidence, the clinical significance of this variant remains unclear.